The following is an entry in ClinVar:

NM_015450.3(POT1):c.293G>C (p.Ser98Thr)

Gene: POT1 (protection of telomeres 1; minus strand). Cytogenetic location: 7q31.33.
Variant type: single nucleotide variant.
Coding change: c.293G>C on transcript NM_015450.3 (MANE Select); coding-DNA position 293, G replaced by C.
Protein change: p.Ser98Thr; replaces serine 98 with threonine.
Molecular consequence: missense variant. On other transcripts: 5 prime UTR variant (1), non-coding transcript variant (3).
Genome position (GRCh38, 1-based): chr7:124,863,603, C>G on the plus strand (G>C on the coding strand, the complement: POT1 is on the minus strand). VCF-style: chr7-124863603-C-G. GRCh37 (hg19) VCF-style: chr7-124503657-C-G.
Other names: c.-101G>C (NM_001042594.2); short protein forms S98T.
Identifiers: ClinVar variation 4673769 (VCV004673769.1).

ClinVar aggregate classification (germline): Uncertain significance (1 of 4 stars; one submission).

Conditions:
Hereditary cancer-predisposing syndrome. Also called: Neoplastic Syndromes, Hereditary; Tumor predisposition; Hereditary Cancer Syndrome; Hereditary neoplastic syndrome. Identifiers: Orphanet 140162, MedGen C0027672, MeSH D009386, MONDO:0015356.

Submission:

Ambry Genetics
Classification: Uncertain significance for Hereditary cancer-predisposing syndrome. Last evaluated: 2025-11-08. Review status: criteria provided, single submitter. Criteria: Ambry Variant Classification Scheme 2023. Collection method: clinical testing. Allele origin: germline.
Comment: The p.S98T variant (also known as c.293G>C), located in coding exon 4 of the POT1 gene, results from a G to C substitution at nucleotide position 293. The serine at codon 98 is replaced by threonine, an amino acid with similar properties. This amino acid position is conserved. In addition, this alteration is predicted to be tolerated by in silico analysis. Based on the available evidence, the clinical significance of this variant remains unclear.